The following is an entry in ClinVar:

ClinVar aggregate classification (germline): Pathogenic (1 of 4 stars; one submission).

Conditions:
Polycystic kidney disease 4 (PKD4). Also called: POLYCYSTIC KIDNEY AND HEPATIC DISEASE 1; POLYCYSTIC KIDNEY DISEASE, INFANTILE, TYPE I; POLYCYSTIC KIDNEY DISEASE 4 WITH OR WITHOUT POLYCYSTIC LIVER DISEASE; PKD3; Autosomal Recessive Polycystic Kidney Disease – PKHD1. Identifiers: MedGen C4540575, MONDO:0033004, OMIM 263200.

Submission:

Myriad Genetics, Inc.
Classification: Pathogenic for Polycystic kidney disease 4. Last evaluated: 2024-02-10. Review status: criteria provided, single submitter. Criteria: Myriad Autosomal Dominant, Autosomal Recessive and X-Linked Classification Criteria (2023). Collection method: clinical testing. Allele origin: unknown.
Comment: NM_138694.3(PKHD1):c.9665dupA(H3222Qfs*10) is expected to be pathogenic in the context of autosomal recessive polycystic kidney disease, PKHD1-related. This variant is predicted to lead to an abnormal or absent protein product due to the creation of a premature termination codon in PKHD1, a gene where loss-of-function variants are known to be pathogenic. Please note: this variant was assessed in the context of healthy population screening.

NM_138694.4(PKHD1):c.9665dup (p.His3222fs)

Gene: PKHD1 (PKHD1 ciliary IPT domain containing fibrocystin/polyductin; minus strand). Cytogenetic location: 6p12.3.
Variant type: Duplication.
Coding change: c.9665dup on transcript NM_138694.4 (MANE Select); coding-DNA position 9665, one base duplicated (A; older notation c.9665dupA).
Protein change: p.His3222fs; shifts the reading frame from histidine 3222.
Molecular consequence: frameshift variant.
Genome position (GRCh38, 1-based): chr6:51,747,951, T duplicated on the plus strand (A on the coding strand, the reverse complement: PKHD1 is on the minus strand). VCF-style (leftmost placement, unchanged base first): chr6-51747950-G-GT. GRCh37 (hg19) VCF-style: chr6-51612748-G-GT.
Other names: c.9665dup, p.His3222fs (NM_170724.3); short protein forms H3222fs.
Identifiers: ClinVar variation 5012726 (VCV005012726.1).